The following is an entry in ClinVar:

ClinVar aggregate classification (germline): Uncertain significance. Review status: criteria provided, multiple submitters, no conflicts (2 of 4 stars). 8 submissions from 8 submitters: Uncertain significance (7). 1 of the submissions does not count toward it. Last evaluated 2025-12-15.

Conditions:
Pancreatic cancer, susceptibility to, 3. Identifiers: Orphanet 1333, MedGen C3150547, MONDO:0013236, OMIM 613348.
Familial cancer of breast. Also called: hereditary breast carcinoma; BREAST CANCER, FAMILIAL; Hereditary breast cancer. Identifiers: Orphanet 227535, MedGen C0346153, MONDO:0016419, OMIM 114480. Disease mechanism: loss of function.
Fanconi anemia complementation group N. Also called: PALB2-Related Fanconi Anemia. Identifiers: Orphanet 84, MedGen C1835817, MONDO:0012565, OMIM 610832. Disease mechanism: loss of function.
Hereditary cancer-predisposing syndrome. Also called: Hereditary neoplastic syndrome; Tumor predisposition; Neoplastic Syndromes, Hereditary; Hereditary Cancer Syndrome. Identifiers: Orphanet 140162, MedGen C0027672, MeSH D009386, MONDO:0015356.
Carcinoma of colon (CRC). Also called: Colon carcinoma; Colonic carcinoma. Identifiers: MedGen C0699790, MONDO:0002032.

gnomAD v4.1: 1 of 1,608,772 alleles (0.000062%); highest among the groups gnomAD compares: African/African-American, 0.0013%; no homozygotes.

Submissions (8):

Ambry Genetics
Classification: Uncertain significance for Hereditary cancer-predisposing syndrome. Last evaluated: 2025-12-15. Review status: criteria provided, single submitter. Criteria: Ambry Variant Classification Scheme 2023. Collection method: clinical testing. Allele origin: germline.
Comment: The p.I1035F variant (also known as c.3103A>T), located in coding exon 10 of the PALB2 gene, results from an A to T substitution at nucleotide position 3103. The isoleucine at codon 1035 is replaced by phenylalanine, an amino acid with highly similar properties. This amino acid position is well conserved in available vertebrate species. In addition, this alteration is predicted to be tolerated by in silico analysis. Since supporting evidence is limited at this time, the clinical significance of this alteration remains unclear.

Labcorp Genetics (formerly Invitae), Labcorp
Classification: Uncertain significance for Familial cancer of breast. Last evaluated: 2025-10-07. Review status: criteria provided, single submitter. Criteria: Invitae Variant Classification Sherloc (09022015). Collection method: clinical testing. Allele origin: germline.
Comment: This sequence change replaces isoleucine, which is neutral and non-polar, with phenylalanine, which is neutral and non-polar, at codon 1035 of the PALB2 protein (p.Ile1035Phe). This variant is not present in population databases (gnomAD no frequency). This variant has not been reported in the literature in individuals affected with PALB2-related conditions. ClinVar contains an entry for this variant (Variation ID: 219857). Invitae Evidence Modeling of protein sequence and biophysical properties (such as structural, functional, and spatial information, amino acid conservation, physicochemical variation, residue mobility, and thermodynamic stability) has been performed for this missense variant. However, the output from this modeling did not meet the statistical confidence thresholds required to predict the impact of this variant on PALB2 protein function. In summary, the available evidence is currently insufficient to determine the role of this variant in disease. Therefore, it has been classified as a Variant of Uncertain Significance.

Baylor Genetics
Classification: Uncertain significance for Familial cancer of breast. Last evaluated: 2023-09-03. Review status: criteria provided, single submitter. Criteria: ACMG Guidelines, 2015. Collection method: clinical testing. Allele origin: unknown.

GeneDx
Classification: Uncertain significance. Last evaluated: 2023-03-13. Review status: criteria provided, single submitter. Criteria: GeneDx Variant Classification Process June 2021. Collection method: clinical testing. Allele origin: germline. Affected: yes.
Comment: Not observed at significant frequency in large population cohorts (gnomAD); In silico analysis supports that this missense variant has a deleterious effect on protein structure/function; Observed in an individual with colorectal cancer (DeRycke et al., 2017); This variant is associated with the following publications: (PMID: 35762214, 19609323, 20871615, 24485656, 33471991, 28944238, 36387127)

Fulgent Genetics
Classification: Uncertain significance for Familial cancer of breast; Fanconi anemia complementation group N; Pancreatic cancer, susceptibility to, 3. Last evaluated: 2021-08-10. Review status: criteria provided, single submitter. Criteria: ACMG Guidelines, 2015. Collection method: clinical testing. Allele origin: unknown.

Sema4
Classification: Uncertain significance for Hereditary cancer-predisposing syndrome. Last evaluated: 2021-06-17. Review status: criteria provided, single submitter. Criteria: Sema4 Curation Guidelines. Collection method: curation. Allele origin: germline.
Comment: The PALB2 c.3103A>T (p.I1035F) variant has been reported in heterozygosity in at least one individual with breast cancer as well as a healthy control (PMID: 33471991). It was not observed in the large and broad cohorts of the Genome Aggregation Database. The variant has been reported in ClinVar (Variation ID 219857). In silico tools suggest the impact of the variant on protein function is inconclusive, though these predictions have not been confirmed by functional studies. The evidence is insufficient to meet ACMG/AMP criteria for classifying the variant as benign or pathogenic. Thus, the clinical significance of this variant is currently uncertain.

Color Diagnostics, LLC DBA Color Health
Classification: Uncertain significance for Hereditary cancer-predisposing syndrome. Last evaluated: 2019-02-28. Review status: criteria provided, single submitter. Criteria: ACMG Guidelines, 2015. Collection method: clinical testing. Allele origin: germline.

Leiden Open Variation Database
Classification: Uncertain significance for Colorectal cancer. Last evaluated: 2017-01-31. Review status: no assertion criteria provided. Collection method: curation. Allele origin: germline. Affected: yes. Not counted in ClinVar's aggregate classification.
Comment: Curators: Marc Tischkowitz, Arleen D. Auerbach. Submitter to LOVD: Melissa DeRycke.

Literature cited by the submitters: PubMed 33471991 (cited by Sema4).

NM_024675.4(PALB2):c.3103A>T (p.Ile1035Phe)

Gene: PALB2 (partner and localizer of BRCA2; minus strand). Cytogenetic location: 16p12.2.
Variant type: single nucleotide variant.
Coding change: c.3103A>T on transcript NM_024675.4 (MANE Select); coding-DNA position 3103, A replaced by T.
Protein change: p.Ile1035Phe; replaces isoleucine 1035 with phenylalanine.
Molecular consequence: missense variant.
Genome position (GRCh38, 1-based): chr16:23,621,372, T>A on the plus strand (A>T on the coding strand, the complement: PALB2 is on the minus strand). VCF-style: chr16-23621372-T-A. GRCh37 (hg19) VCF-style: chr16-23632693-T-A.
Other names: short protein forms I1035F.
Identifiers: ClinVar variation 219857 (VCV000219857.22), dbSNP rs863224783, ClinGen allele CA349807.
Genomic context (GRCh38, chr16:23,621,372, plus strand): 5'-TATCCTCATACTACAGATGAGGGAACTGAGGACCTAGAGGGAAAGCTTACCAAATAACAA[T>A]GTTGTTCATAATAGTAGTACCAAGCAGAGCTTCTTGCATCCCTTGGACCTCAGCAAAAGT-3'
Protein context (NP_078951.2, residues 1025-1045): ALLGTTIMNN[Ile1035Phe]VIWNLKTGQL